The following is an entry in ClinVar:

ClinVar aggregate classification (germline): Benign/Likely benign. Review status: criteria provided, multiple submitters, no conflicts (2 of 4 stars). 12 submissions from 12 submitters: Benign (7); Likely benign (3). 2 of the submissions do not count toward it. Last evaluated 2026-02-04.

Conditions:
Hereditary cancer-predisposing syndrome. Also called: Tumor predisposition; Hereditary neoplastic syndrome; Neoplastic Syndromes, Hereditary; Hereditary Cancer Syndrome. Identifiers: Orphanet 140162, MedGen C0027672, MeSH D009386, MONDO:0015356.
Ovarian cancer. Also called: OVARIAN CANCER, SOMATIC. Identifiers: Orphanet 213500, MedGen C1140680, MONDO:0008170, OMIM 167000.
Fanconi anemia (FA). Also called: Fanconi's anemia. Identifiers: Orphanet 84, MedGen C0015625, MeSH D005199, MONDO:0019391.
Fanconi anemia complementation group F. Also called: FANCF-Related Fanconi Anemia. Identifiers: Orphanet 84, MedGen C3469526, MONDO:0011325, OMIM 603467.
Malignant tumor of breast. Also called: Cancer breast; Malignant breast neoplasm. Identifiers: MedGen C0006142, MONDO:0007254. Disease mechanism: loss of function.

Allele frequency attached by ClinVar (database versions not stated): 1000 Genomes Project 30x 0.00500; 1000 Genomes Project 0.00519; TOPMed 0.00568; ESP Exome Variant Server 0.00569; gnomAD 0.00595 and 0.00627; gnomAD exomes 0.00830 and 0.00877; ExAC 0.00914.

Submissions (12):

Labcorp Genetics (formerly Invitae), Labcorp
Classification: Benign for Fanconi anemia. Last evaluated: 2026-02-04. Review status: criteria provided, single submitter. Criteria: Invitae Variant Classification Sherloc (09022015). Collection method: clinical testing. Allele origin: germline.

ARUP Laboratories, Molecular Genetics and Genomics, ARUP Laboratories
Classification: Benign for Fanconi anemia complementation group F. Last evaluated: 2025-05-16. Review status: criteria provided, single submitter. Criteria: ARUP Molecular Germline Variant Investigation Process 2024. Collection method: clinical testing. Allele origin: germline.

Molecular Diagnostics Laboratory, Catalan Institute of Oncology
Classification: Benign for Hereditary cancer-predisposing syndrome. Last evaluated: 2024-11-27. Review status: criteria provided, single submitter. Criteria: ACMG Guidelines, 2015. Collection method: clinical testing. Allele origin: germline.
Comment: BA1, BS2, BP4_Moderate c.557C>T, located in exon 1 of the FANCF gene, is predicted to result in the substitution of alanine by valine at codon 86, p.(Ala186Val). The variant allele was found in 514/30518 alleles, with a filtering allele frequency of 1.5% at 99% confidence, within the South Asian population in the gnomAD v2.1.1 database (non-cancer data set) (BA1). The SpliceAI algorithm predicts no significant impact on splicing. The REVEL meta-predictor score for this variant (0.041) suggests that it does not affect the protein function according to Pejaver 2022 thresholds (PMID: 36413997) (BP4_Moderate). To our knowledge, neither relevant clinical data nor well-established functional studies have been reported for this variant. This variant has been observed in homozygous state in multiple healthy individuals (BS2). This variant has been reported in the ClinVar database (6x benign, 3x likely benign) and in LOVD (1x benign). Based on currently available information, the variant c.557C>T should be considered a benign variant, according to ACMG/AMP classification guidelines.

Laboratory of Molecular Epidemiology of Birth Defects, West China Second University Hospital, Sichuan University
Classification: Benign for Ovarian cancer. Last evaluated: 2022-01-01. Review status: criteria provided, single submitter. Criteria: ACMG Guidelines, 2015. Collection method: clinical testing. Allele origin: germline. Affected: yes.

GeneDx
Classification: Likely benign. Last evaluated: 2021-03-31. Review status: criteria provided, single submitter. Criteria: GeneDx Variant Classification Process June 2021. Collection method: clinical testing. Allele origin: germline. Affected: yes.

Illumina Laboratory Services, Illumina
Classification: Benign for Fanconi anemia complementation group F. Last evaluated: 2018-01-13. Review status: criteria provided, single submitter. Criteria: ICSL Variant Classification Criteria 13 December 2019. Collection method: clinical testing. Allele origin: germline.
Comment: This variant was observed in the ICSL laboratory as part of a predisposition screen in an ostensibly healthy population. It had not been previously curated by ICSL or reported in the Human Gene Mutation Database (HGMD: prior to June 1st, 2018), and was therefore a candidate for classification through an automated scoring system. Utilizing variant allele frequency, disease prevalence and penetrance estimates, and inheritance mode, an automated score was calculated to assess if this variant is too frequent to cause the disease. Based on the score and internal cut-off values, a variant classified as benign is not then subjected to further curation. The score for this variant resulted in a classification of benign for this disease.

Genetic Services Laboratory, University of Chicago
Classification: Benign. Last evaluated: 2016-09-13. Review status: criteria provided, single submitter. Criteria: ACMG Guidelines, 2015. Collection method: clinical testing. Allele origin: germline. Affected: no.

Genomic Diagnostic Laboratory, Division of Genomic Diagnostics, Children's Hospital of Philadelphia
Classification: Likely benign. Last evaluated: 2015-03-25. Review status: criteria provided, single submitter. Criteria: DGD Variant Analysis Guidelines. Collection method: clinical testing. Allele origin: unknown.

Breakthrough Genomics
Classification: Likely benign. Review status: criteria provided, single submitter. Criteria: ACMG Guidelines, 2015. Collection method: not provided. Allele origin: germline. Inheritance: Autosomal recessive inheritance. Affected: yes.

PreventionGenetics, part of Exact Sciences
Classification: Benign. Review status: criteria provided, single submitter. Criteria: ACMG Guidelines, 2015. Collection method: clinical testing. Allele origin: germline.

ITMI
No classification provided. Condition: AllHighlyPenetrant. Last evaluated: 2013-09-19. Review status: no classification provided. Collection method: reference population. Allele origin: germline. Not counted in ClinVar's aggregate classification.
Comment: Please see associated publication for description of ethnicities

Center of Medical Genetics and Primary Health Care
Classification: Benign for Breast Cancer. Review status: no assertion criteria provided. Collection method: clinical testing. Allele origin: germline. Affected: yes. Not counted in ClinVar's aggregate classification.

Literature cited by the submitters: PubMed 24728327 (cited by ITMI).

NM_022725.4(FANCF):c.557C>T (p.Ala186Val)

Gene: FANCF (FA complementation group F; minus strand). Cytogenetic location: 11p14.3.
Variant type: single nucleotide variant.
Coding change: c.557C>T on transcript NM_022725.4 (MANE Select); coding-DNA position 557, C replaced by T.
Protein change: p.Ala186Val; replaces alanine 186 with valine.
Molecular consequence: missense variant.
Genome position (GRCh38, 1-based): chr11:22,625,254, G>A on the plus strand (C>T on the coding strand, the complement: FANCF is on the minus strand). VCF-style: chr11-22625254-G-A. GRCh37 (hg19) VCF-style: chr11-22646800-G-A.
Other names: short protein forms A186V.
Identifiers: ClinVar variation 134349 (VCV000134349.27), dbSNP rs113910234, ClinGen allele CA248740.